The following is an entry in ClinVar:

NM_054012.4(ASS1):c.601del (p.Gln201fs)

Gene: ASS1 (argininosuccinate synthase 1; plus strand). Cytogenetic location: 9q34.11.
Variant type: Deletion.
Coding change: c.601del on transcript NM_054012.4 (MANE Select); coding-DNA position 601, one base deleted (C; older notation c.601delC).
Protein change: p.Gln201fs; shifts the reading frame from glutamine 201.
Molecular consequence: frameshift variant.
Genome position (GRCh38, 1-based): chr9:130,476,874, C deleted; the last of 2 consecutive C bases (chr9:130,476,873-130,476,874); deleting either gives the same sequence. VCF-style (leftmost placement, unchanged base first): chr9-130476872-AC-A. GRCh37 (hg19) VCF-style: chr9-133352259-AC-A.
Other names: c.601del, p.Gln201fs (NM_000050.4); short protein forms Q201fs.
Identifiers: ClinVar variation 5013125 (VCV005013125.1).

ClinVar aggregate classification (germline): Pathogenic (1 of 4 stars; one submission).

Conditions:
Citrullinemia type I (CTNL1). Also called: ASS DEFICIENCY; argininosuccinate synthetase deficiency. Identifiers: Orphanet 247525, MedGen C4721769, MONDO:0008988, OMIM 215700.

Submission:

Myriad Genetics, Inc.
Classification: Pathogenic for Citrullinemia type I. Last evaluated: 2024-06-01. Review status: criteria provided, single submitter. Criteria: Myriad Autosomal Dominant, Autosomal Recessive and X-Linked Classification Criteria (2023). Collection method: clinical testing. Allele origin: unknown.
Comment: NM_000050.4(ASS1):c.601delC(Q201Kfs*33) is expected to be pathogenic in the context of citrullinemia type 1. This variant is predicted to lead to an abnormal or absent protein product due to the creation of a premature termination codon in ASS1, a gene where loss-of-function variants are known to be pathogenic. Please note: this variant was assessed in the context of healthy population screening.